The following is an entry in ClinVar:

NM_012418.4(FSCN2):c.647C>A (p.Ala216Glu)

Gene: FSCN2 (fascin actin-bundling protein 2, retinal; plus strand). Cytogenetic location: 17q25.3.
Variant type: single nucleotide variant.
Coding change: c.647C>A on transcript NM_012418.4 (MANE Select); coding-DNA position 647, C replaced by A.
Protein change: p.Ala216Glu; replaces alanine 216 with glutamic acid.
Molecular consequence: missense variant.
Genome position (GRCh38, 1-based): chr17:81,529,178, C>A. VCF-style: chr17-81529178-C-A. GRCh37 (hg19) VCF-style: chr17-79496204-C-A.
Other names: c.647C>A, p.Ala216Glu (NM_001077182.3); short protein forms A216E.
Identifiers: ClinVar variation 3643979 (VCV003643979.2).

ClinVar aggregate classification (germline): Uncertain significance (1 of 4 stars; one submission).

gnomAD v4.1: 1 of 1,592,690 alleles (0.000063%); highest among the groups gnomAD compares: Non-Finnish European, 0.000085%; no homozygotes.

Submission:

Labcorp Genetics (formerly Invitae), Labcorp
Classification: Uncertain significance. Last evaluated: 2024-09-21. Review status: criteria provided, single submitter. Criteria: Invitae Variant Classification Sherloc (09022015). Collection method: clinical testing. Allele origin: germline.
Comment: This sequence change replaces alanine, which is neutral and non-polar, with glutamic acid, which is acidic and polar, at codon 216 of the FSCN2 protein (p.Ala216Glu). This variant is not present in population databases (gnomAD no frequency). This variant has not been reported in the literature in individuals affected with FSCN2-related conditions. An algorithm developed to predict the effect of missense changes on protein structure and function (PolyPhen-2) suggests that this variant is likely to be disruptive. In summary, the available evidence is currently insufficient to determine the role of this variant in disease. Therefore, it has been classified as a Variant of Uncertain Significance.